The following is an entry in ClinVar:

ClinVar aggregate classification (germline): Uncertain significance (1 of 4 stars; one submission).

Conditions:
Pityriasis rubra pilaris (PRP). Also called: Pityriasis rubra pilaris--familial type. Identifiers: Orphanet 2897, MedGen C0032027, MONDO:0100017, OMIM 173200, MONDO:0008251.
Psoriasis 2. Identifiers: MedGen C1864497, MONDO:0011269, OMIM 602723.

Allele frequency attached by ClinVar (database versions not stated): gnomAD exomes below 0.00001.

Submission:

Labcorp Genetics (formerly Invitae), Labcorp
Classification: Uncertain significance for Pityriasis rubra pilaris; Psoriasis 2. Last evaluated: 2025-06-23. Review status: criteria provided, single submitter. Criteria: Invitae Variant Classification Sherloc (09022015). Collection method: clinical testing. Allele origin: germline.
Comment: This sequence change replaces leucine, which is neutral and non-polar, with histidine, which is basic and polar, at codon 847 of the CARD14 protein (p.Leu847His). This variant is not present in population databases (gnomAD no frequency). This variant has not been reported in the literature in individuals affected with CARD14-related conditions. ClinVar contains an entry for this variant (Variation ID: 2004306). Invitae Evidence Modeling of protein sequence and biophysical properties (such as structural, functional, and spatial information, amino acid conservation, physicochemical variation, residue mobility, and thermodynamic stability) indicates that this missense variant is not expected to disrupt CARD14 protein function with a negative predictive value of 95%. In summary, the available evidence is currently insufficient to determine the role of this variant in disease. Therefore, it has been classified as a Variant of Uncertain Significance.

NM_001366385.1(CARD14):c.2540T>A (p.Leu847His)

Genes: CARD14 (caspase recruitment domain family member 14; plus strand), SGSH (N-sulfoglucosamine sulfohydrolase; minus strand), LOC126862662 (MED14-independent group 3 enhancer GRCh37_chr17:78178385-78179584; plus strand). Cytogenetic location: 17q25.3.
Variant type: single nucleotide variant.
Coding change: c.2540T>A on transcript NM_001366385.1 (MANE Select); coding-DNA position 2540, T replaced by A.
Protein change: p.Leu847His; replaces leucine 847 with histidine.
Molecular consequence: missense variant. On other transcripts: non-coding transcript variant (1).
Genome position (GRCh38, 1-based): chr17:80,205,176, T>A. VCF-style: chr17-80205176-T-A. GRCh37 (hg19) VCF-style: chr17-78178975-T-A.
Other names: c.2540T>A, p.Leu847His (NM_024110.4); short protein forms L847H.
Identifiers: ClinVar variation 2004306 (VCV002004306.4), dbSNP rs2510769178, ClinGen allele CA401356158.